The following is an entry in ClinVar:

NM_001197104.2(KMT2A):c.5205G>T (p.Lys1735Asn)

Gene: KMT2A (lysine methyltransferase 2A; plus strand). Cytogenetic location: 11q23.3.
Variant type: single nucleotide variant.
Coding change: c.5205G>T on transcript NM_001197104.2 (MANE Select); coding-DNA position 5205, G replaced by T.
Protein change: p.Lys1735Asn; replaces lysine 1735 with asparagine.
Molecular consequence: missense variant.
Genome position (GRCh38, 1-based): chr11:118,494,314, G>T. VCF-style: chr11-118494314-G-T. GRCh37 (hg19) VCF-style: chr11-118365029-G-T.
Other names: c.5295G>T, p.Lys1765Asn (NM_001412597.1); c.5196G>T, p.Lys1732Asn (NM_005933.4); short protein forms K1732N, K1735N, K1765N.
Identifiers: ClinVar variation 2029988 (VCV002029988.4), dbSNP rs2134349657, ClinGen allele CA382837478.

ClinVar aggregate classification (germline): Uncertain significance (1 of 4 stars; one submission).

Submission:

Labcorp Genetics (formerly Invitae), Labcorp
Classification: Uncertain significance. Last evaluated: 2025-07-21. Review status: criteria provided, single submitter. Criteria: Invitae Variant Classification Sherloc (09022015). Collection method: clinical testing. Allele origin: germline.
Comment: This sequence change replaces lysine, which is basic and polar, with asparagine, which is neutral and polar, at codon 1735 of the KMT2A protein (p.Lys1735Asn). This variant is not present in population databases (gnomAD no frequency). This variant has not been reported in the literature in individuals affected with KMT2A-related conditions. ClinVar contains an entry for this variant (Variation ID: 2029988). Invitae Evidence Modeling of protein sequence and biophysical properties (such as structural, functional, and spatial information, amino acid conservation, physicochemical variation, residue mobility, and thermodynamic stability) indicates that this missense variant is not expected to disrupt KMT2A protein function with a negative predictive value of 95%. In summary, the available evidence is currently insufficient to determine the role of this variant in disease. Therefore, it has been classified as a Variant of Uncertain Significance.